The following is an entry in ClinVar:

NM_001164277.2(SLC37A4):c.1179G>A (p.Trp393Ter)

Gene: SLC37A4 (solute carrier family 37 member 4; minus strand). Cytogenetic location: 11q23.3.
Variant type: single nucleotide variant.
Coding change: c.1179G>A on transcript NM_001164277.2 (MANE Select); coding-DNA position 1179, G replaced by A.
Protein change: p.Trp393Ter; replaces tryptophan 393 with a stop codon.
Molecular consequence: nonsense.
Genome position (GRCh38, 1-based): chr11:119,025,021, C>T on the plus strand (G>A on the coding strand, the complement: SLC37A4 is on the minus strand). VCF-style: chr11-119025021-C-T. GRCh37 (hg19) VCF-style: chr11-118895731-C-T.
Other names: c.1245G>A, p.Trp415Ter (NM_001164278.2); c.960G>A, p.Trp320Ter (NM_001164279.2); c.1179G>A, p.Trp393Ter (NM_001164280.2, NM_001467.6); short protein forms W320*, W393*, W415*.
Identifiers: ClinVar variation 928687 (VCV000928687.17), dbSNP rs902775927, ClinGen allele CA229595808.

ClinVar aggregate classification (germline): Pathogenic. Review status: criteria provided, multiple submitters, no conflicts (2 of 4 stars). 6 submissions from 6 submitters: Pathogenic (6). Last evaluated 2025-11-09.

Conditions:
Glucose-6-phosphate transport defect (GSD1B). Also called: Glycogen Storage Disease Type Ib; GSD Ib. Identifiers: Orphanet 364, Orphanet 79259, MedGen C0268146, MONDO:0009288, OMIM 232220.

Allele frequency attached by ClinVar (database versions not stated): gnomAD exomes 0.00002 and 0.00001.

Submissions (6):

Labcorp Genetics (formerly Invitae), Labcorp
Classification: Pathogenic for Glucose-6-phosphate transport defect. Last evaluated: 2025-11-09. Review status: criteria provided, single submitter. Criteria: Invitae Variant Classification Sherloc (09022015). Collection method: clinical testing. Allele origin: germline.
Comment: This sequence change creates a premature translational stop signal (p.Trp393*) in the SLC37A4 gene. While this is not anticipated to result in nonsense mediated decay, it is expected to disrupt the last 37 amino acid(s) of the SLC37A4 protein. This variant is present in population databases (no rsID available, gnomAD 0.006%). This premature translational stop signal has been observed in individual(s) with clinical features of glycogen storage disease type Ib (PMID: 10923042, 29119402). This variant is also known as 1348G>A. ClinVar contains an entry for this variant (Variation ID: 928687). Algorithms developed to predict the effect of sequence changes on RNA splicing suggest that this variant may disrupt the consensus splice site. This variant disrupts a region of the SLC37A4 protein in which other variant(s) (p.Arg415*) have been determined to be pathogenic (PMID: 10482962, 10931421, 15059622, 21575371). This suggests that this is a clinically significant region of the protein, and that variants that disrupt it are likely to be disease-causing. For these reasons, this variant has been classified as Pathogenic.

Ozbek Human Genetics Laboratory, Izmir Biomedicine and Genome Center
Classification: Pathogenic for Glucose-6-phosphate transport defect. Last evaluated: 2025-08-01. Review status: criteria provided, single submitter. Criteria: ACMG Guidelines, 2015. Collection method: research. Allele origin: unknown. Affected: yes. Observed: 1 variant allele, 1 homozygote.
Comment: A homozygous p.Trp393* stop-gain variant was detected in exon 10 of the SLC37A4 gene (NM_001164277.2). This variant is very rarely observed in population databases (PM2). The variant creates a stop codon in exon 10, disrupting the protein structure, and is located in a gene where loss-of-function variants are known to cause disease (PVS1). Previous pathogenic entries for the detected change are present in the ClinVar database (PM3, PP5). Based on this information, the variant is classified as pathogenic according to ACMG criteria. The SLC37A4 gene is associated with "Glycogen storage disease Ib" syndrome in the OMIM database. Data obtained via the RAREBOOST project (Horizon 2020 ERA Chairs at Izmir Biomedicine and Genome Center - IBG)

Dasa
Classification: Pathogenic. Last evaluated: 2025-06-16. Review status: criteria provided, single submitter. Criteria: DASA Assertion Criteria. Collection method: clinical testing. Allele origin: germline.
Comment: NM_001164277.2(SLC37A4):c.1179G>A (p.Trp393*) introduces a premature termination codon predicted to result in loss of normal protein function. Loss-of-function is an established mechanism of disease for this gene. This variant has been observed in affected individuals with related phenotype in a genotype context consistent with recessive disease (PMID: 10923042; PMID: 29119402; PMID: 28224773). This variant has been recurrently observed in individuals with related phenotype (PMID: 10923042; PMID: 29119402; PMID: 28224773). The variant is present at low frequency in population datasets. Based on the available data, this variant is classified as pathogenic.

Natera, Inc.
Classification: Pathogenic for Glycogen storage disease type Ib. Last evaluated: 2024-08-26. Review status: criteria provided, single submitter. Criteria: Natera Variant Classification Schema (03/2026). Collection method: clinical testing. Allele origin: germline.
Comment: The c.1179G>A variant in SLC37A4 is a nonsense variant predicted to introduce a stop codon at amino acid 393. This variant is expected to result in nonsense mediated decay, truncation, or a dysfunctional protein product. This variant is rare in the general population with a frequency below the threshold expected for the associated phenotype(s). This variant has been observed in one or more individuals affected with the associated recessive disease, as either homozygous or compound heterozygous with a second variant (PMID: 28224773, 29119402, 31508908). Given the available evidence, this variant is classified as Pathogenic.

Baylor Genetics
Classification: Pathogenic for Glucose-6-phosphate transport defect. Last evaluated: 2024-01-16. Review status: criteria provided, single submitter. Criteria: ACMG Guidelines, 2015. Collection method: clinical testing. Allele origin: unknown.

Women's Health and Genetics/Laboratory Corporation of America, LabCorp
Classification: Pathogenic for Glucose-6-phosphate transport defect. Last evaluated: 2019-10-11. Review status: criteria provided, single submitter. Criteria: LabCorp Variant Classification Summary - May 2015. Collection method: clinical testing. Allele origin: germline.
Comment: Variant summary: SLC37A4 c.1179G>A (p.Trp393X) results in a premature termination codon, predicted to cause a truncation of the encoded protein or absence of the protein due to nonsense mediated decay, which are commonly known mechanisms for disease. The variant allele was found at a frequency of 1.6e-05 in 249216 control chromosomes (gnomAD). c.1179G>A has been reported in the literature in multiple individuals affected with Glycogen Storage Disease Type Ib (Choi_2017, Hiraiwa_1999, Prasad_2017, Santer_2000). These data indicate that the variant is very likely to be associated with disease. A functional study, Chen_2000, found the variant caused little to no SLC37A4 [referred to as G6PT (legacy name)] synthesis to occur. No clinical diagnostic laboratories have submitted clinical-significance assessments for this variant to ClinVar after 2014. Based on the evidence outlined above, the variant was classified as pathogenic.

Literature cited by the submitters: PubMed 10923042 (cited by 3 submitters); PubMed 29119402 (cited by 4 submitters); PubMed 10482962 (cited by Labcorp Genetics (formerly Invitae), Labcorp); PubMed 10931421 (cited by Labcorp Genetics (formerly Invitae), Labcorp); PubMed 15059622 (cited by Labcorp Genetics (formerly Invitae), Labcorp); PubMed 21575371 (cited by Labcorp Genetics (formerly Invitae), Labcorp); PubMed 28224773 (cited by 3 submitters); PubMed 31508908 (cited by Natera, Inc.); PubMed 10940311 (cited by Women's Health and Genetics/Laboratory Corporation of America, LabCorp); PubMed 10026167 (cited by Women's Health and Genetics/Laboratory Corporation of America, LabCorp).